The following is an entry in ClinVar:

NM_001572.5(IRF7):c.461C>T (p.Pro154Leu)

Gene: IRF7 (interferon regulatory factor 7; minus strand). Cytogenetic location: 11p15.5.
Variant type: single nucleotide variant.
Coding change: c.461C>T on transcript NM_001572.5 (MANE Select); coding-DNA position 461, C replaced by T.
Protein change: p.Pro154Leu; replaces proline 154 with leucine.
Molecular consequence: missense variant.
Genome position (GRCh38, 1-based): chr11:614,392, G>A on the plus strand (C>T on the coding strand, the complement: IRF7 is on the minus strand). VCF-style: chr11-614392-G-A. GRCh37 (hg19) VCF-style: chr11-614392-G-A.
Other names: c.500C>T (NM_004031.2); c.461C>T, p.Pro154Leu (NM_004029.4); c.500C>T, p.Pro167Leu (NM_004031.4); short protein forms P154L, P167L.
Identifiers: ClinVar variation 2972434 (VCV002972434.4), dbSNP rs759040714, ClinGen allele CA5783937.

ClinVar aggregate classification (germline): Conflicting classifications of pathogenicity. Review status: criteria provided, conflicting classifications (1 of 4 stars). 2 submissions from 2 submitters: Uncertain significance (1); Likely benign (1). Last evaluated 2025-12-04.

Conditions:
Immunodeficiency 39 (IMD39). Identifiers: Orphanet 574918, MedGen C4225358, MONDO:0014597, OMIM 616345.

Allele frequency attached by ClinVar (database versions not stated): gnomAD exomes below 0.00001; TOPMed 0.00001; ExAC 0.00003; gnomAD 0.00003.

Submissions (2):

Ambry Genetics
Classification: Likely benign. Last evaluated: 2025-12-04. Review status: criteria provided, single submitter. Criteria: Ambry Variant Classification Scheme 2023. Collection method: clinical testing. Allele origin: germline.

Labcorp Genetics (formerly Invitae), Labcorp
Classification: Uncertain significance for Immunodeficiency 39. Last evaluated: 2023-01-16. Review status: criteria provided, single submitter. Criteria: Invitae Variant Classification Sherloc (09022015). Collection method: clinical testing. Allele origin: germline.
Comment: This sequence change replaces proline, which is neutral and non-polar, with leucine, which is neutral and non-polar, at codon 167 of the IRF7 protein (p.Pro167Leu). This variant is present in population databases (rs759040714, gnomAD 0.03%). This variant has not been reported in the literature in individuals affected with IRF7-related conditions. Advanced modeling of protein sequence and biophysical properties (such as structural, functional, and spatial information, amino acid conservation, physicochemical variation, residue mobility, and thermodynamic stability) performed at Invitae indicates that this missense variant is not expected to disrupt IRF7 protein function. In summary, the available evidence is currently insufficient to determine the role of this variant in disease. Therefore, it has been classified as a Variant of Uncertain Significance.